The following is an entry in ClinVar:

NM_001164665.2(KIAA1549):c.5686G>A (p.Gly1896Arg)

Gene: KIAA1549 (KIAA1549; minus strand). Cytogenetic location: 7q34.
Variant type: single nucleotide variant.
Coding change: c.5686G>A on transcript NM_001164665.2 (MANE Select); coding-DNA position 5686, G replaced by A.
Protein change: p.Gly1896Arg; replaces glycine 1896 with arginine.
Molecular consequence: missense variant.
Genome position (GRCh38, 1-based): chr7:138,838,073, C>T on the plus strand (G>A on the coding strand, the complement: KIAA1549 is on the minus strand). VCF-style: chr7-138838073-C-T. GRCh37 (hg19) VCF-style: chr7-138522818-C-T.
Other names: c.5686G>A (NM_001164665.1); c.5638G>A, p.Gly1880Arg (NM_020910.3); short protein forms G1880R, G1896R.
Identifiers: ClinVar variation 1351204 (VCV001351204.8), dbSNP rs778336268, ClinGen allele CA4505489.

ClinVar aggregate classification (germline): Uncertain significance. Review status: criteria provided, multiple submitters, no conflicts (2 of 4 stars). 2 submissions from 2 submitters: Uncertain significance (2). Last evaluated 2025-03-31.

Conditions:
Inborn genetic diseases. Identifiers: MedGen C0950123, MeSH D030342.

Allele frequency attached by ClinVar (database versions not stated): gnomAD 0.00001; ExAC 0.00002; TOPMed 0.00002.
gnomAD v4.1: 13 of 1,590,254 alleles (0.00082%); highest among the groups gnomAD compares: Admixed American, 0.0018%; no homozygotes.

Submissions (2):

Labcorp Genetics (formerly Invitae), Labcorp
Classification: Uncertain significance. Last evaluated: 2025-03-31. Review status: criteria provided, single submitter. Criteria: Invitae Variant Classification Sherloc (09022015). Collection method: clinical testing. Allele origin: germline.
Comment: This sequence change replaces glycine, which is neutral and non-polar, with arginine, which is basic and polar, at codon 1896 of the KIAA1549 protein (p.Gly1896Arg). The frequency data for this variant in the population databases is considered unreliable, as metrics indicate poor data quality at this position in the gnomAD database. This variant has not been reported in the literature in individuals affected with KIAA1549-related conditions. ClinVar contains an entry for this variant (Variation ID: 1351204). An algorithm developed to predict the effect of missense changes on protein structure and function (PolyPhen-2) suggests that this variant is likely to be disruptive. In summary, the available evidence is currently insufficient to determine the role of this variant in disease. Therefore, it has been classified as a Variant of Uncertain Significance.

Ambry Genetics
Classification: Uncertain significance for Inborn genetic diseases. Last evaluated: 2022-12-15. Review status: criteria provided, single submitter. Criteria: Ambry Variant Classification Scheme 2023. Collection method: clinical testing. Allele origin: germline.